The following is an entry in ClinVar:

ClinVar aggregate classification (germline): Uncertain significance (1 of 4 stars; one submission).

Submission:

Mayo Clinic Laboratories, Mayo Clinic
Classification: Uncertain significance. Last evaluated: 2024-08-19. Review status: criteria provided, single submitter. Criteria: ACMG Guidelines, 2015. Collection method: clinical testing. Allele origin: germline. Observed: 1 variant allele.
Comment: PM2

NM_000037.4(ANK1):c.3985-3T>G

Gene: ANK1 (ankyrin 1; minus strand). Cytogenetic location: 8p11.21.
Variant type: single nucleotide variant.
Coding change: c.3985-3T>G on transcript NM_000037.4 (MANE Select); 3 bases into the intron before coding-DNA position 3985, T replaced by G.
Molecular consequence: intron variant.
Genome position (GRCh38, 1-based): chr8:41,690,349, A>C on the plus strand (T>G on the coding strand, the complement: ANK1 is on the minus strand). VCF-style: chr8-41690349-A-C. GRCh37 (hg19) VCF-style: chr8-41547867-A-C.
Other names: p.?; c.4108-3T>G (NM_001142446.2); c.3985-3T>G (NM_020477.3, NM_020475.3, NM_020476.3).
Identifiers: ClinVar variation 3379811 (VCV003379811.1).